The following is an entry in ClinVar:

ClinVar aggregate classification (germline): other (0 of 4 stars; one submission).

Conditions:
Familial colorectal cancer. Identifiers: MedGen CN280943, MONDO:0023113. Disease mechanism: loss of function.

Submission:

Systems Biology Platform Zhejiang California International NanoSystems Institute
Classification: other for Familial colorectal cancer. Review status: no assertion criteria provided. Collection method: not provided. Allele origin: unknown.
ClinVar note: Converted during submission from cancer to other.

NC_000005.10:g.112850818C>A

Variant type: single nucleotide variant.
Genome position: GRCh38 VCF-style: chr5-112850818-C-A. GRCh37 (hg19) VCF-style: chr5-112186515-C-A.
Identifiers: ClinVar variation 82654 (VCV000082654.3), dbSNP rs76105561, ClinGen allele CA250794.